The following is an entry in ClinVar:

NM_006231.4(POLE):c.1828C>G (p.Leu610Val)

Gene: POLE (DNA polymerase epsilon, catalytic subunit; minus strand). Cytogenetic location: 12q24.33.
Variant type: single nucleotide variant.
Coding change: c.1828C>G on transcript NM_006231.4 (MANE Select); coding-DNA position 1828, C replaced by G.
Protein change: p.Leu610Val; replaces leucine 610 with valine.
Molecular consequence: missense variant.
Genome position (GRCh38, 1-based): chr12:132,668,906, G>C on the plus strand (C>G on the coding strand, the complement: POLE is on the minus strand). VCF-style: chr12-132668906-G-C. GRCh37 (hg19) VCF-style: chr12-133245492-G-C.
Other names: short protein forms L610V.
Identifiers: ClinVar variation 4746900 (VCV004746900.1).

ClinVar aggregate classification (germline): Uncertain significance (1 of 4 stars; one submission).

Submission:

Labcorp Genetics (formerly Invitae), Labcorp
Classification: Uncertain significance. Last evaluated: 2025-06-22. Review status: criteria provided, single submitter. Criteria: Invitae Variant Classification Sherloc (09022015). Collection method: clinical testing. Allele origin: germline.
Comment: This sequence change replaces leucine, which is neutral and non-polar, with valine, which is neutral and non-polar, at codon 610 of the POLE protein (p.Leu610Val). This variant is not present in population databases (gnomAD no frequency). This variant has not been reported in the literature in individuals affected with POLE-related conditions. Invitae Evidence Modeling of protein sequence and biophysical properties (such as structural, functional, and spatial information, amino acid conservation, physicochemical variation, residue mobility, and thermodynamic stability) indicates that this missense variant is expected to disrupt POLE protein function with a positive predictive value of 80%. In summary, the available evidence is currently insufficient to determine the role of this variant in disease. Therefore, it has been classified as a Variant of Uncertain Significance.